The following is an entry in ClinVar:

ClinVar aggregate classification (germline): Benign/Likely benign. Review status: criteria provided, multiple submitters, no conflicts (2 of 4 stars). 9 submissions from 9 submitters: Benign (1); Likely benign (8). Last evaluated 2026-01-24.

Conditions:
Hereditary nonpolyposis colorectal neoplasms. Identifiers: MedGen C0009405, MeSH D003123.
Breast and/or ovarian cancer. Identifiers: MedGen CN221562.
Hereditary cancer-predisposing syndrome. Also called: Hereditary neoplastic syndrome; Hereditary Cancer Syndrome; Neoplastic Syndromes, Hereditary; Tumor predisposition. Identifiers: Orphanet 140162, MedGen C0027672, MeSH D009386, MONDO:0015356.
Lynch syndrome. Identifiers: Orphanet 144, MedGen C4552100, MONDO:0005835. Disease mechanism: loss of function.
Lynch syndrome 4 (LYNCH4). Also called: Colorectal cancer, hereditary nonpolyposis, type 4; Hereditary non-polyposis colorectal cancer, type 4. Identifiers: Orphanet 144, MedGen C1838333, MONDO:0013699, OMIM 614337. Disease mechanism: loss of function.

Allele frequency attached by ClinVar (database versions not stated): ExAC 0.00001; gnomAD 0.00001; TOPMed 0.00001; gnomAD exomes 0.00002 and 0.00003.
gnomAD v4.1: 41 of 1,614,036 alleles (0.0025%); highest among the groups gnomAD compares: Non-Finnish European, 0.003%; no homozygotes.

Submissions (9):

Women's Health and Genetics/Laboratory Corporation of America, LabCorp
Classification: Likely benign. Last evaluated: 2026-01-24. Review status: criteria provided, single submitter. Criteria: LabCorp Variant Classification Summary - May 2015. Collection method: clinical testing. Allele origin: germline.

Labcorp Genetics (formerly Invitae), Labcorp
Classification: Likely benign for Hereditary nonpolyposis colorectal neoplasms. Last evaluated: 2025-08-26. Review status: criteria provided, single submitter. Criteria: Invitae Variant Classification Sherloc (09022015). Collection method: clinical testing. Allele origin: germline.

Center for Genomic Medicine, Rigshospitalet, Copenhagen University Hospital
Classification: Likely benign. Last evaluated: 2025-03-04. Review status: criteria provided, single submitter. Criteria: ACMG Guidelines, 2015. Collection method: clinical testing. Allele origin: germline.
Comment: Classification criteria: BP4, BP7

Myriad Genetics, Inc.
Classification: Benign for Lynch syndrome 4. Last evaluated: 2025-01-31. Review status: criteria provided, single submitter. Criteria: Myriad Autosomal Dominant, Autosomal Recessive and X-Linked Classification Criteria (2023). Collection method: clinical testing. Allele origin: unknown.
Comment: This variant is considered benign. This variant is a silent/synonymous amino acid change and it is not expected to impact splicing.

All of Us Research Program, National Institutes of Health
Classification: Likely benign for Lynch syndrome. Last evaluated: 2023-10-30. Review status: criteria provided, single submitter. Criteria: ACMG Guidelines, 2015. Collection method: clinical testing. Allele origin: germline. Inheritance: Autosomal dominant inheritance. Observed: 1 variant allele, 1 heterozygote.
Comment: This study involves interpretation of variants in research participants for the purpose of population health screening. Participant phenotype was not available at the time of variant classification. Additional details can be found in publication PMID: 35346344, PMCID: PMC8962531

CHEO Genetics Diagnostic Laboratory, Children's Hospital of Eastern Ontario
Classification: Likely benign for Breast and/or ovarian cancer. Last evaluated: 2023-06-22. Review status: criteria provided, single submitter. Criteria: ACMG Guidelines, 2015. Collection method: clinical testing. Allele origin: germline.

GeneDx
Classification: Likely benign. Last evaluated: 2018-05-25. Review status: criteria provided, single submitter. Criteria: GeneDx Variant Classification Process June 2021. Collection method: clinical testing. Allele origin: germline. Affected: yes.

Color Diagnostics, LLC DBA Color Health
Classification: Likely benign for Hereditary cancer-predisposing syndrome. Last evaluated: 2018-02-06. Review status: criteria provided, single submitter. Criteria: ACMG Guidelines, 2015. Collection method: clinical testing. Allele origin: germline.

Ambry Genetics
Classification: Likely benign for Hereditary cancer-predisposing syndrome. Last evaluated: 2015-01-13. Review status: criteria provided, single submitter. Criteria: Ambry Variant Classification Scheme 2023. Collection method: clinical testing. Allele origin: germline.

NM_000535.7(PMS2):c.1713C>T (p.Leu571=)

Gene: PMS2 (PMS1 homolog 2, mismatch repair system component; minus strand). Cytogenetic location: 7p22.1.
Variant type: single nucleotide variant.
Coding change: c.1713C>T on transcript NM_000535.7 (MANE Select); coding-DNA position 1713, C replaced by T.
Protein change: p.Leu571=; no amino-acid change (leucine 571 retained).
Molecular consequence: synonymous variant. On other transcripts: non-coding transcript variant (1).
Genome position (GRCh38, 1-based): chr7:5,987,052, G>A on the plus strand (C>T on the coding strand, the complement: PMS2 is on the minus strand). VCF-style: chr7-5987052-G-A. GRCh37 (hg19) VCF-style: chr7-6026683-G-A.
Other names: c.1308C>T, p.Leu436= (NM_001322003.2, NM_001322004.2, NM_001322005.2 and 1 more transcripts); c.1557C>T, p.Leu519= (NM_001322006.2); c.1395C>T, p.Leu465= (NM_001322007.2, NM_001322008.2); c.1152C>T, p.Leu384= (NM_001322010.2); c.780C>T, p.Leu260= (NM_001322011.2, NM_001322012.2); c.1140C>T, p.Leu380= (NM_001322013.2); c.1713C>T, p.Leu571= (NM_001322014.2); c.1404C>T, p.Leu468= (NM_001322015.2).
Identifiers: ClinVar variation 230015 (VCV000230015.25), dbSNP rs745774944, ClinGen allele CA045270.